The following is an entry in ClinVar:

ClinVar aggregate classification (germline): Uncertain significance (1 of 4 stars; one submission).

Allele frequency attached by ClinVar (database versions not stated): gnomAD exomes below 0.00001.
gnomAD v4.1: 1 of 1,613,806 alleles (0.000062%); highest among the groups gnomAD compares: Non-Finnish European, 0.000085%; no homozygotes.

Submission:

GeneDx
Classification: Uncertain significance. Last evaluated: 2024-01-08. Review status: criteria provided, single submitter. Criteria: GeneDx Variant Classification Process June 2021. Collection method: clinical testing. Allele origin: germline. Affected: yes.
Comment: Not observed at significant frequency in large population cohorts (gnomAD); In silico analysis supports that this missense variant does not alter protein structure/function; Observed only in unaffected control participants in a study of biliary tract cancer (PMID: 36243179); This variant is associated with the following publications: (PMID: 36243179)

NM_000038.6(APC):c.7628G>A (p.Arg2543Lys)

Gene: APC (APC regulator of WNT signaling pathway; plus strand). Cytogenetic location: 5q22.2.
Variant type: single nucleotide variant.
Coding change: c.7628G>A on transcript NM_000038.6 (MANE Select); coding-DNA position 7628, G replaced by A.
Protein change: p.Arg2543Lys; replaces arginine 2543 with lysine.
Molecular consequence: missense variant. On other transcripts: non-coding transcript variant (2).
Genome position (GRCh38, 1-based): chr5:112,843,222, G>A. VCF-style: chr5-112843222-G-A. GRCh37 (hg19) VCF-style: chr5-112178919-G-A.
Other names: c.7628G>A, p.Arg2543Lys (NM_001127510.3, NM_001354895.2, NM_001407450.1); c.7574G>A, p.Arg2525Lys (NM_001127511.3); c.7682G>A, p.Arg2561Lys (NM_001354896.2, NM_001407447.1, NM_001407448.1 and 1 more transcripts); c.7658G>A, p.Arg2553Lys (NM_001354897.2); c.7553G>A, p.Arg2518Lys (NM_001354898.2); c.7544G>A, p.Arg2515Lys (NM_001354899.2); c.7505G>A, p.Arg2502Lys (NM_001354900.2); c.7451G>A, p.Arg2484Lys (NM_001354901.2, NM_001407453.1); and 11 more; short protein forms R2159K, R2260K, R2383K, R2414K, R2417K, R2442K, R2452K, R2460K.
Identifiers: ClinVar variation 3252561 (VCV003252561.1), dbSNP rs2149990888.
Genomic context (GRCh38, chr5:112,843,222, plus strand): 5'-CAAAGCGCCATGATATTGCACGGTCTCATTCTGAAAGTCCTTCTAGACTTCCAATCAATA[G>A]GTCAGGAACCTGGAAACGTGAGCACAGCAAACATTCATCATCCCTTCCTCGAGTAAGCAC-3'
Protein context (NP_000029.2, residues 2533-2553): SESPSRLPIN[Arg2543Lys]SGTWKREHSK